The following is an entry in ClinVar:

NM_152468.5(TMC8):c.390C>G (p.Phe130Leu)

Genes: TMC8 (transmembrane channel like 8; plus strand), LOC130061793 (ATAC-STARR-seq lymphoblastoid silent region 9044; plus strand). Cytogenetic location: 17q25.3.
Variant type: single nucleotide variant.
Coding change: c.390C>G on transcript NM_152468.5 (MANE Select); coding-DNA position 390, C replaced by G.
Protein change: p.Phe130Leu; replaces phenylalanine 130 with leucine.
Molecular consequence: missense variant.
Genome position (GRCh38, 1-based): chr17:78,132,450, C>G. VCF-style: chr17-78132450-C-G. GRCh37 (hg19) VCF-style: chr17-76128531-C-G.
Other names: short protein forms F130L.
Identifiers: ClinVar variation 651707 (VCV000651707.9), dbSNP rs61755873, ClinGen allele CA8796426.

ClinVar aggregate classification (germline): Uncertain significance (1 of 4 stars; one submission).

Conditions:
Epidermodysplasia verruciformis. Identifiers: Orphanet 302, MedGen C0014522, MONDO:0009176.

Allele frequency attached by ClinVar (database versions not stated): gnomAD exomes 0.00013; ExAC 0.00018; 1000 Genomes Project 30x 0.00031; 1000 Genomes Project 0.00040; gnomAD 0.00050 and 0.00056; TOPMed 0.00062; ESP Exome Variant Server 0.00069.
gnomAD v4.1: 166 of 1,612,576 alleles (0.01%); highest among the groups gnomAD compares: African/African-American, 0.18%; no homozygotes.

Submission:

Labcorp Genetics (formerly Invitae), Labcorp
Classification: Uncertain significance for Epidermodysplasia verruciformis. Last evaluated: 2025-01-19. Review status: criteria provided, single submitter. Criteria: Invitae Variant Classification Sherloc (09022015). Collection method: clinical testing. Allele origin: germline.
Comment: This sequence change replaces phenylalanine, which is neutral and non-polar, with leucine, which is neutral and non-polar, at codon 130 of the TMC8 protein (p.Phe130Leu). This variant is present in population databases (rs61755873, gnomAD 0.2%). This variant has not been reported in the literature in individuals affected with TMC8-related conditions. ClinVar contains an entry for this variant (Variation ID: 651707). Invitae Evidence Modeling of protein sequence and biophysical properties (such as structural, functional, and spatial information, amino acid conservation, physicochemical variation, residue mobility, and thermodynamic stability) indicates that this missense variant is not expected to disrupt TMC8 protein function with a negative predictive value of 80%. In summary, the available evidence is currently insufficient to determine the role of this variant in disease. Therefore, it has been classified as a Variant of Uncertain Significance.